The following is an entry in ClinVar:

NM_001330260.2(SCN8A):c.3206G>T (p.Gly1069Val)

Gene: SCN8A (sodium voltage-gated channel alpha subunit 8; plus strand). Cytogenetic location: 12q13.13.
Variant type: single nucleotide variant.
Coding change: c.3206G>T on transcript NM_001330260.2 (MANE Select); coding-DNA position 3206, G replaced by T.
Protein change: p.Gly1069Val; replaces glycine 1069 with valine.
Molecular consequence: missense variant.
Genome position (GRCh38, 1-based): chr12:51,769,169, G>T. VCF-style: chr12-51769169-G-T. GRCh37 (hg19) VCF-style: chr12-52162953-G-T.
Other names: c.3206G>T, p.Gly1069Val (NM_001177984.3, NM_001369788.1, NM_014191.4); short protein forms G1069V.
Identifiers: ClinVar variation 2745080 (VCV002745080.3), dbSNP rs2138868784, ClinGen allele CA384893002.
Genomic context (GRCh38, chr12:51,769,169, plus strand): 5'-CCGGTGCAGACATCCACCGGAATGGTGACTTCCAGAAGAATGGCAATGGCACAACCAGCG[G>T]CATTGGCAGCAGCGTGGAGAAGTACATCATTGATGAGGACCACATGTCCTTCATCAACAA-3'
Protein context (NP_001317189.1, residues 1059-1079): FQKNGNGTTS[Gly1069Val]IGSSVEKYII

ClinVar aggregate classification (germline): Uncertain significance (1 of 4 stars; one submission).

Conditions:
Early-infantile DEE. Also called: Early infantile epileptic encephalopathy with suppression bursts; Early infantile epileptic encephalopathy; Ohtahara syndrome. Identifiers: Orphanet 1934, MedGen C0393706, MONDO:0800491.

Submission:

Labcorp Genetics (formerly Invitae), Labcorp
Classification: Uncertain significance for Early-infantile DEE. Last evaluated: 2023-07-19. Review status: criteria provided, single submitter. Criteria: Invitae Variant Classification Sherloc (09022015). Collection method: clinical testing. Allele origin: germline.
Comment: This sequence change replaces glycine, which is neutral and non-polar, with valine, which is neutral and non-polar, at codon 1069 of the SCN8A protein (p.Gly1069Val). This variant is not present in population databases (gnomAD no frequency). This variant has not been reported in the literature in individuals affected with SCN8A-related conditions. Advanced modeling of protein sequence and biophysical properties (such as structural, functional, and spatial information, amino acid conservation, physicochemical variation, residue mobility, and thermodynamic stability) performed at Invitae indicates that this missense variant is not expected to disrupt SCN8A protein function. In summary, the available evidence is currently insufficient to determine the role of this variant in disease. Therefore, it has been classified as a Variant of Uncertain Significance.